The following is an entry in ClinVar:

NM_001160372.4(TRAPPC9):c.2908C>T (p.Arg970Trp)

Gene: TRAPPC9 (trafficking protein particle complex subunit 9; minus strand). Cytogenetic location: 8q24.3.
Variant type: single nucleotide variant.
Coding change: c.2908C>T on transcript NM_001160372.4 (MANE Select); coding-DNA position 2908, C replaced by T.
Protein change: p.Arg970Trp; replaces arginine 970 with tryptophan.
Molecular consequence: missense variant. On other transcripts: non-coding transcript variant (1).
Genome position (GRCh38, 1-based): chr8:139,910,203, G>A on the plus strand (C>T on the coding strand, the complement: TRAPPC9 is on the minus strand). VCF-style: chr8-139910203-G-A. GRCh37 (hg19) VCF-style: chr8-140922447-G-A.
Other names: c.2881C>T, p.Arg961Trp (NM_001321646.2); c.2929C>T, p.Arg977Trp (NM_001374682.1); c.2797C>T, p.Arg933Trp (NM_001374683.1); c.2764C>T, p.Arg922Trp (NM_001374684.1); c.2908C>T, p.Arg970Trp (NM_031466.8); short protein forms R961W, R977W, R933W, R970W, R922W.
Identifiers: ClinVar variation 1916094 (VCV001916094.2), dbSNP rs758242753, ClinGen allele CA4892884.

ClinVar aggregate classification (germline): Uncertain significance (1 of 4 stars; one submission).

Allele frequency attached by ClinVar (database versions not stated): ExAC 0.00002.
gnomAD v4.1: 41 of 1,614,036 alleles (0.0025%); highest among the groups gnomAD compares: South Asian, 0.011%; 1 homozygote.

Submission:

Labcorp Genetics (formerly Invitae), Labcorp
Classification: Uncertain significance. Last evaluated: 2022-08-07. Review status: criteria provided, single submitter. Criteria: Invitae Variant Classification Sherloc (09022015). Collection method: clinical testing. Allele origin: germline.
Comment: This sequence change replaces arginine, which is basic and polar, with tryptophan, which is neutral and slightly polar, at codon 1068 of the TRAPPC9 protein (p.Arg1068Trp). This variant is present in population databases (rs758242753, gnomAD 0.01%). This variant has not been reported in the literature in individuals affected with TRAPPC9-related conditions. Algorithms developed to predict the effect of missense changes on protein structure and function are either unavailable or do not agree on the potential impact of this missense change (SIFT: "Not Available"; PolyPhen-2: "Probably Damaging"; Align-GVGD: "Not Available"). In summary, the available evidence is currently insufficient to determine the role of this variant in disease. Therefore, it has been classified as a Variant of Uncertain Significance.